The following is an entry in ClinVar:

NM_001376.5(DYNC1H1):c.239A>G (p.Glu80Gly)

Gene: DYNC1H1 (dynein cytoplasmic 1 heavy chain 1; plus strand). Cytogenetic location: 14q32.31.
Variant type: single nucleotide variant.
Coding change: c.239A>G on transcript NM_001376.5 (MANE Select); coding-DNA position 239, A replaced by G.
Protein change: p.Glu80Gly; replaces glutamic acid 80 with glycine.
Molecular consequence: missense variant.
Genome position (GRCh38, 1-based): chr14:101,964,930, A>G. VCF-style: chr14-101964930-A-G. GRCh37 (hg19) VCF-style: chr14-102431267-A-G.
Other names: short protein forms E80G.
Identifiers: ClinVar variation 472526 (VCV000472526.21), dbSNP rs751092252, ClinGen allele CA7351466.

ClinVar aggregate classification (germline): Benign/Likely benign. Review status: criteria provided, multiple submitters, no conflicts (2 of 4 stars). 5 submissions from 5 submitters: Benign (3); Likely benign (2). Last evaluated 2026-08-01.

Conditions:
DYNC1H1-related disorder. Also called: DYNC1H1-related condition; DYNC1H1-related disorders. Identifiers: MedGen CN381529.
Inborn genetic diseases. Identifiers: MedGen C0950123, MeSH D030342.
Charcot-Marie-Tooth disease axonal type 2O. Also called: CHARCOT-MARIE-TOOTH NEUROPATHY, AXONAL, TYPE 2O; CHARCOT-MARIE-TOOTH DISEASE, AXONAL, AUTOSOMAL DOMINANT, TYPE 2O; Charcot-Marie-Tooth Neuropathy Type 2O; Charcot-Marie-Tooth disease, axonal, type 20. Identifiers: Orphanet 284232, MedGen C3280220, MONDO:0013644, OMIM 614228.

Allele frequency attached by ClinVar (database versions not stated): gnomAD 0.00004; TOPMed 0.00017; gnomAD exomes 0.00027; ExAC 0.00045.

Submissions (5):

CeGaT Center for Human Genetics Tuebingen
Classification: Likely benign. Last evaluated: 2026-08-01. Review status: criteria provided, single submitter. Criteria: CeGaT Center For Human Genetics Tuebingen Variant Classification Criteria Version 2. Collection method: clinical testing. Allele origin: germline. Affected: yes. Observed: 3 variant alleles.
Comment: DYNC1H1: PP2, BS1

Labcorp Genetics (formerly Invitae), Labcorp
Classification: Benign for Charcot-Marie-Tooth disease axonal type 2O. Last evaluated: 2026-02-03. Review status: criteria provided, single submitter. Criteria: Invitae Variant Classification Sherloc (09022015). Collection method: clinical testing. Allele origin: germline.

PreventionGenetics, part of Exact Sciences
Classification: Likely benign for DYNC1H1-related condition. Last evaluated: 2025-10-15. Review status: criteria provided, single submitter. Criteria: ACMG Guidelines, 2015. Collection method: clinical testing. Allele origin: germline.
Comment: This variant is classified as likely benign based on ACMG/AMP sequence variant interpretation guidelines (Richards et al. 2015 PMID: 25741868, with internal and published modifications).

GeneDx
Classification: Benign. Last evaluated: 2020-02-19. Review status: criteria provided, single submitter. Criteria: GeneDx Variant Classification Process June 2021. Collection method: clinical testing. Allele origin: germline. Affected: yes.

Ambry Genetics
Classification: Benign for Inborn genetic diseases. Last evaluated: 2018-05-25. Review status: criteria provided, single submitter. Criteria: Ambry Variant Classification Scheme 2023. Collection method: clinical testing. Allele origin: germline.